The following is an entry in ClinVar:

ClinVar aggregate classification (germline): Uncertain significance. Review status: criteria provided, multiple submitters, no conflicts (2 of 4 stars). 2 submissions from 2 submitters: Uncertain significance (2). Last evaluated 2026-02-05.

Conditions:
Creatine transporter deficiency (CCDS1). Also called: Mental retardation , X-linked with seizures, short stature and midface hypoplasia; Mental retardation , X-linked, with creatine transport deficiency; X-linked creatine transporter deficiency; X-linked creatine deficiency syndrome; SLC6A8-Related Creatine Transporter Deficiency; CREATINE TRANSPORTER DEFECT. Identifiers: Orphanet 52503, MedGen C1845862, MONDO:0010305, OMIM 300352.

Allele frequency attached by ClinVar (database versions not stated): gnomAD exomes below 0.00001.
gnomAD v4.1: 1 of 1,193,813 alleles (0.000084%); highest among the groups gnomAD compares: Non-Finnish European, 0.00011%; no homozygotes.

Submissions (2):

GeneDx
Classification: Uncertain significance. Last evaluated: 2026-02-05. Review status: criteria provided, single submitter. Criteria: GeneDx Variant Classification Process June 2021. Collection method: clinical testing. Allele origin: germline. Affected: yes.
Comment: Not observed at significant frequency in large population cohorts (gnomAD); In silico analysis supports that this missense variant has a deleterious effect on protein structure/function; Has not been previously published as pathogenic or benign to our knowledge

Labcorp Genetics (formerly Invitae), Labcorp
Classification: Uncertain significance for Creatine transporter deficiency. Last evaluated: 2022-11-24. Review status: criteria provided, single submitter. Criteria: Invitae Variant Classification Sherloc (09022015). Collection method: clinical testing. Allele origin: germline.
Comment: This sequence change replaces glycine, which is neutral and non-polar, with arginine, which is basic and polar, at codon 223 of the SLC6A8 protein (p.Gly223Arg). This variant is not present in population databases (gnomAD no frequency). This variant has not been reported in the literature in individuals affected with SLC6A8-related conditions. Advanced modeling of protein sequence and biophysical properties (such as structural, functional, and spatial information, amino acid conservation, physicochemical variation, residue mobility, and thermodynamic stability) performed at Invitae indicates that this missense variant is not expected to disrupt SLC6A8 protein function. In summary, the available evidence is currently insufficient to determine the role of this variant in disease. Therefore, it has been classified as a Variant of Uncertain Significance.

NM_005629.4(SLC6A8):c.667G>A (p.Gly223Arg)

Gene: SLC6A8 (solute carrier family 6 member 8; plus strand). Cytogenetic location: Xq28.
Variant type: single nucleotide variant.
Coding change: c.667G>A on transcript NM_005629.4 (MANE Select); coding-DNA position 667, G replaced by A.
Protein change: p.Gly223Arg; replaces glycine 223 with arginine.
Molecular consequence: missense variant.
Genome position (GRCh38, 1-based): chrX:153,691,997, G>A. VCF-style: chrX-153691997-G-A. GRCh37 (hg19) VCF-style: chrX-152957452-G-A.
Other names: c.667G>A, p.Gly223Arg (NM_001142805.2); c.322G>A, p.Gly108Arg (NM_001142806.1); short protein forms G108R, G223R.
Identifiers: ClinVar variation 2507315 (VCV002507315.5), dbSNP rs2522158135, ClinGen allele CA415079761.